The following is an entry in ClinVar:

ClinVar aggregate classification (germline): Uncertain significance (1 of 4 stars; one submission).

Conditions:
Von Hippel-Lindau syndrome (VHLS). Also called: von Hippel–Lindau syndrome; VHL syndrome; Von Hippel-Lindau. Identifiers: Orphanet 892, MedGen C0019562, MONDO:0008667, OMIM 193300. Disease mechanism: loss of function.

gnomAD v4.1: 1 of 1,587,026 alleles (0.000063%); highest among the groups gnomAD compares: Non-Finnish European, 0.000086%; no homozygotes.

Submission:

Color Diagnostics, LLC DBA Color Health
Classification: Uncertain significance for Von Hippel-Lindau syndrome. Last evaluated: 2025-10-20. Review status: criteria provided, single submitter. Criteria: ACMG Guidelines, 2015. Collection method: clinical testing. Allele origin: germline.
Comment: This missense variant replaces methionine with valine at codon 54 of the VHL protein. Computational prediction suggests that this variant may not impact protein structure and function. A functional study has reported that this variant does not impact VHL in a haploid cell proliferation assay (PMID: 38969834). The disruption of p.Met54 has been shown to disrupt the expression of p19 isoform of VHL but not the p30 isoform (PMID: 26224408). To our knowledge, this variant has not been reported in individuals affected with VHL-related cancer in the literature. A different missense at the same codon, c.162G>C p.(Met54Ile), has been reported as a homozygous variant in an individual affected with erythrocytosis and pulmonary arterial hypertension, but heterozygous carriers did not have VHL-associated tumor (PMID: 26224408, 27578599). This variant has been identified in 1/1434764 chromosomes in the general population by the Genome Aggregation Database (gnomAD). The available evidence is insufficient to determine the role of this variant in disease conclusively. Therefore, this variant is classified as a Variant of Uncertain Significance.

Literature cited by the submitters: PubMed 26224408; PubMed 27578599; PubMed 38969834.

NM_000551.4(VHL):c.160A>G (p.Met54Val)

Gene: VHL (von Hippel-Lindau tumor suppressor; plus strand). Cytogenetic location: 3p25.3.
Variant type: single nucleotide variant.
Coding change: c.160A>G on transcript NM_000551.4 (MANE Select); coding-DNA position 160, A replaced by G.
Protein change: p.Met54Val; replaces methionine 54 with valine.
Molecular consequence: missense variant. On other transcripts: non-coding transcript variant (1).
Genome position (GRCh38, 1-based): chr3:10,142,007, A>G. VCF-style: chr3-10142007-A-G. GRCh37 (hg19) VCF-style: chr3-10183691-A-G.
Other names: c.160A>G, p.Met54Val (NM_001354723.2, NM_198156.3); short protein forms M54V.
Identifiers: ClinVar variation 4758199 (VCV004758199.1).